The following is an entry in ClinVar:

ClinVar aggregate classification (germline): Conflicting classifications of pathogenicity. Review status: criteria provided, conflicting classifications (1 of 4 stars). 3 submissions from 3 submitters: Likely pathogenic (2); Uncertain significance (1). Last evaluated 2023-09-15.

Conditions:
Hereditary breast ovarian cancer syndrome. Also called: Hereditary breast and ovarian cancer; Hereditary breast and ovarian cancer syndrome; Breast and ovarian cancer; BRCA1- and BRCA2-Associated Hereditary Breast and Ovarian Cancer; Hereditary breast and/or ovarian cancer syndrome; Hereditary breast and ovarian cancer syndrome (HBOC). Identifiers: Orphanet 145, MedGen C0677776, MeSH D061325, MONDO:0003582. Disease mechanism: loss of function.
Hereditary cancer-predisposing syndrome. Also called: Neoplastic Syndromes, Hereditary; Hereditary Cancer Syndrome; Tumor predisposition; Hereditary neoplastic syndrome. Identifiers: Orphanet 140162, MedGen C0027672, MeSH D009386, MONDO:0015356.

Submissions (3):

Ambry Genetics
Classification: Likely pathogenic for Hereditary cancer-predisposing syndrome. Last evaluated: 2023-09-15. Review status: criteria provided, single submitter. Criteria: Ambry Variant Classification Scheme 2023. Collection method: clinical testing. Allele origin: germline.
Comment: The p.Q2561P variant (also known as c.7682A>C), located in coding exon 15 of the BRCA2 gene, results from an A to C substitution at nucleotide position 7682. The glutamine at codon 2561 is replaced by proline, an amino acid with similar properties. This variant was non-functional in a homology-directed DNA repair (HDR) assay (Richardson ME et al. Am J Hum Genet, 2021 Mar;108:458-468). An internal structural analysis indicates that this variant is disruptive to the protein (Ambry internal data). This amino acid position is not well conserved in available vertebrate species. In addition, the in silico prediction for this alteration is inconclusive. This variant is considered to be rare based on population cohorts in the Genome Aggregation Database (gnomAD). Based on the majority of available evidence to date, this variant is likely to be pathogenic.

Labcorp Genetics (formerly Invitae), Labcorp
Classification: Uncertain significance for Hereditary breast ovarian cancer syndrome. Last evaluated: 2023-05-11. Review status: criteria provided, single submitter. Criteria: Invitae Variant Classification Sherloc (09022015). Collection method: clinical testing. Allele origin: germline.
Comment: This variant has not been reported in the literature in individuals affected with BRCA2-related conditions. In summary, the available evidence is currently insufficient to determine the role of this variant in disease. Therefore, it has been classified as a Variant of Uncertain Significance. Experimental studies have shown that this missense change affects BRCA2 function (PMID: 29394989). Advanced modeling performed at Invitae incorporating data from internal and/or published experimental studies (PMID: 33609447) indicates that this missense variant is expected to disrupt BRCA2 function. ClinVar contains an entry for this variant (Variation ID: 995945). This variant is not present in population databases (gnomAD no frequency). This sequence change replaces glutamine, which is neutral and polar, with proline, which is neutral and non-polar, at codon 2561 of the BRCA2 protein (p.Gln2561Pro).

Cancer Variant Interpretation Group UK, Institute of Cancer Research, London
Classification: Likely pathogenic for Hereditary Breast and Ovarian Cancer. Last evaluated: 2018-11-21. Review status: criteria provided, single submitter. Criteria: ACMG Guidelines, 2015. Collection method: curation. Allele origin: germline.
Comment: Data used in classification: The frequency of this variant is 0/138,632 individuals in gnomAD (PM2_mod). The variant is in the DNA-binding domain of BRCA2 (PM1_sup). In the VarCall Bayesian statistical model for VUS classification using functional assay data (Guidugli et al Am J Hum Genet 2018; 102:233-248, Couch Lab), the variant has a probability of being deleterious of 0.986 and an overall classification of pathogenic. (PS3_strong). Data not used in classification: This variant has conflicting in silico predictions; AlignGVGD (class: C15), SIFT (Deleterious), Polyphen2 HumVar (probably damaging) and CADD (12.74).

Literature cited by the submitters: PubMed 33609447 (cited by Ambry Genetics and Labcorp Genetics (formerly Invitae), Labcorp); PubMed 29394989 (cited by Labcorp Genetics (formerly Invitae), Labcorp and Cancer Variant Interpretation Group UK, Institute of Cancer Research, London).

NM_000059.4(BRCA2):c.7682A>C (p.Gln2561Pro)

Gene: BRCA2 (BRCA2 DNA repair associated; plus strand). Cytogenetic location: 13q13.1.
Variant type: single nucleotide variant.
Coding change: c.7682A>C on transcript NM_000059.4 (MANE Select); coding-DNA position 7682, A replaced by C.
Protein change: p.Gln2561Pro; replaces glutamine 2561 with proline.
Molecular consequence: missense variant.
Genome position (GRCh38, 1-based): chr13:32,357,806, A>C. VCF-style: chr13-32357806-A-C. GRCh37 (hg19) VCF-style: chr13-32931943-A-C.
Other names: short protein forms Q2561P.
Identifiers: ClinVar variation 995945 (VCV000995945.5), dbSNP rs55647716, ClinGen allele CA387745132.
Genomic context (GRCh38, chr13:32,357,806, plus strand): 5'-ATACGTATGGCGTTTCTAAACATTGCATAAAAATTAACAGCAAAAATGCAGAGTCTTTTC[A>C]GTTTCACACTGAAGATTATTTTGGTAAGGAAAGTTTATGGACTGGAAAAGGAATACAGTT-3'
Protein context (NP_000050.3, residues 2551-2571): KINSKNAESF[Gln2561Pro]FHTEDYFGKE